The following is an entry in ClinVar:

ClinVar aggregate classification (germline): Uncertain significance. Review status: criteria provided, multiple submitters, no conflicts (2 of 4 stars). 2 submissions from 2 submitters: Uncertain significance (2). Last evaluated 2025-08-13.

gnomAD v4.1: 11 of 1,602,782 alleles (0.00069%); highest among the groups gnomAD compares: African/African-American, 0.011%; no homozygotes.

Submissions (2):

GeneDx
Classification: Uncertain significance. Last evaluated: 2025-08-13. Review status: criteria provided, single submitter. Criteria: GeneDx Variant Classification Process June 2021. Collection method: clinical testing. Allele origin: germline. Affected: yes.
Comment: Not observed at significant frequency in large population cohorts (gnomAD); In silico analysis supports that this missense variant has a deleterious effect on protein structure/function; Has not been previously published as pathogenic or benign to our knowledge

Blueprint Genetics
Classification: Uncertain significance. Last evaluated: 2021-09-01. Review status: criteria provided, single submitter. Criteria: ACMG Guidelines, 2015. Collection method: clinical testing. Allele origin: germline.

NM_001195263.2(PDZD7):c.1297C>A (p.Arg433Ser)

Gene: PDZD7 (PDZ domain containing 7; minus strand). Cytogenetic location: 10q24.31.
Variant type: single nucleotide variant.
Coding change: c.1297C>A on transcript NM_001195263.2 (MANE Select); coding-DNA position 1297, C replaced by A.
Protein change: p.Arg433Ser; replaces arginine 433 with serine.
Molecular consequence: missense variant.
Genome position (GRCh38, 1-based): chr10:101,018,849, G>T on the plus strand (C>A on the coding strand, the complement: PDZD7 is on the minus strand). VCF-style: chr10-101018849-G-T. GRCh37 (hg19) VCF-style: chr10-102778606-G-T.
Other names: c.1297C>A, p.Arg433Ser (NM_001351044.2, NM_001437429.1, NM_024895.5); short protein forms R433S.
Identifiers: ClinVar variation 4795566 (VCV004795566.2).